The following is an entry in ClinVar:

ClinVar aggregate classification (germline): Uncertain significance (1 of 4 stars; one submission).

Allele frequency attached by ClinVar (database versions not stated): gnomAD exomes below 0.00001.
gnomAD v4.1: 1 of 1,614,134 alleles (0.000062%); no homozygotes.

Submission:

GeneDx
Classification: Uncertain significance. Last evaluated: 2019-09-10. Review status: criteria provided, single submitter. Criteria: GeneDx Variant Classification Process June 2021. Collection method: clinical testing. Allele origin: germline. Affected: yes.
Comment: Not observed at a significant frequency in large population cohorts (Lek et al., 2016); In silico analysis, which includes protein predictors and evolutionary conservation, supports a deleterious effect; Has not been previously published as pathogenic or benign to our knowledge

NM_001378969.1(KCND3):c.1069T>C (p.Ser357Pro)

Gene: KCND3 (potassium voltage-gated channel subfamily D member 3; minus strand). Cytogenetic location: 1p13.2.
Variant type: single nucleotide variant.
Coding change: c.1069T>C on transcript NM_001378969.1 (MANE Select); coding-DNA position 1069, T replaced by C.
Protein change: p.Ser357Pro; replaces serine 357 with proline.
Molecular consequence: missense variant.
Genome position (GRCh38, 1-based): chr1:111,981,658, A>G on the plus strand (T>C on the coding strand, the complement: KCND3 is on the minus strand). VCF-style: chr1-111981658-A-G. GRCh37 (hg19) VCF-style: chr1-112524280-A-G.
Other names: c.1069T>C, p.Ser357Pro (NM_001378970.1, NM_004980.5, NM_172198.3); short protein forms S357P.
Identifiers: ClinVar variation 1316217 (VCV001316217.2), dbSNP rs1424358968, ClinGen allele CA341820466.